The following is an entry in ClinVar:

NM_001486.4(GCKR):c.645-14T>A

Gene: GCKR (glucokinase regulator; plus strand). Cytogenetic location: 2p23.3.
Variant type: single nucleotide variant.
Coding change: c.645-14T>A on transcript NM_001486.4 (MANE Select); 14 bases into the intron before coding-DNA position 645, T replaced by A.
Molecular consequence: intron variant.
Genome position (GRCh38, 1-based): chr2:27,503,500, T>A. VCF-style: chr2-27503500-T-A. GRCh37 (hg19) VCF-style: chr2-27726367-T-A.
Identifiers: ClinVar variation 2997008 (VCV002997008.3), dbSNP rs962767395, ClinGen allele CA44539488.

ClinVar aggregate classification (germline): Uncertain significance (1 of 4 stars; one submission).

Submission:

Labcorp Genetics (formerly Invitae), Labcorp
Classification: Uncertain significance. Last evaluated: 2024-12-02. Review status: criteria provided, single submitter. Criteria: Invitae Variant Classification Sherloc (09022015). Collection method: clinical testing. Allele origin: germline.
Comment: This sequence change falls in intron 8 of the GCKR gene. It does not directly change the encoded amino acid sequence of the GCKR protein. This variant is not present in population databases (gnomAD no frequency). This variant has not been reported in the literature in individuals affected with GCKR-related conditions. ClinVar contains an entry for this variant (Variation ID: 2997008). Algorithms developed to predict the effect of sequence changes on RNA splicing suggest that this variant may disrupt the consensus splice site. In summary, the available evidence is currently insufficient to determine the role of this variant in disease. Therefore, it has been classified as a Variant of Uncertain Significance.